The following is an entry in ClinVar:

NM_015450.3(POT1):c.9+10T>C

Gene: POT1 (protection of telomeres 1; minus strand). Cytogenetic location: 7q31.33.
Variant type: single nucleotide variant.
Coding change: c.9+10T>C on transcript NM_015450.3 (MANE Select); 10 bases into the intron after coding-DNA position 9, T replaced by C.
Molecular consequence: intron variant.
Genome position (GRCh38, 1-based): chr7:124,897,155, A>G on the plus strand (T>C on the coding strand, the complement: POT1 is on the minus strand). VCF-style: chr7-124897155-A-G. GRCh37 (hg19) VCF-style: chr7-124537209-A-G.
Other names: c.-254+10T>C (NM_001042594.2).
Identifiers: ClinVar variation 475110 (VCV000475110.13), dbSNP rs369023903, ClinGen allele CA4465539.

ClinVar aggregate classification (germline): Likely benign. Review status: criteria provided, multiple submitters, no conflicts (2 of 4 stars). 2 submissions from 2 submitters: Likely benign (2). Last evaluated 2026-02-03.

Conditions:
POT1-related disorder. Also called: POT1-related condition.
Tumor predisposition syndrome 3 (TPDS3). Also called: Melanoma, cutaneous malignant, susceptibility to, 10; Glioma susceptibility 9; LONG TELOMERE SYNDROME, POT1-RELATED; POT1 Tumor Predisposition. Identifiers: Orphanet 618, MedGen C4014476, MONDO:0014368, OMIM 615848.

Allele frequency attached by ClinVar (database versions not stated): gnomAD exomes 0.00001 and 0.00005; ExAC 0.00006; ESP Exome Variant Server 0.00015; gnomAD 0.00022 and 0.00024; TOPMed 0.00028; 1000 Genomes Project 30x 0.00031; 1000 Genomes Project 0.00040.
gnomAD v4.1: 51 of 1,445,034 alleles (0.0035%); highest among the groups gnomAD compares: African/African-American, 0.072%; no homozygotes.

Submissions (2):

Labcorp Genetics (formerly Invitae), Labcorp
Classification: Likely benign for Tumor predisposition syndrome 3. Last evaluated: 2026-02-03. Review status: criteria provided, single submitter. Criteria: Invitae Variant Classification Sherloc (09022015). Collection method: clinical testing. Allele origin: germline.

PreventionGenetics, part of Exact Sciences
Classification: Likely benign for POT1-related condition. Last evaluated: 2025-01-07. Review status: criteria provided, single submitter. Criteria: ACMG Guidelines, 2015. Collection method: clinical testing. Allele origin: germline.
Comment: This variant is classified as likely benign based on ACMG/AMP sequence variant interpretation guidelines (Richards et al. 2015 PMID: 25741868, with internal and published modifications).